The following is an entry in ClinVar:

NM_012210.4(TRIM32):c.1789A>G (p.Lys597Glu)

Genes: ASTN2 (astrotactin 2; minus strand), TRIM32 (tripartite motif containing 32; plus strand). Cytogenetic location: 9q33.1.
Variant type: single nucleotide variant.
Coding change: c.1789A>G on transcript NM_012210.4 (MANE Select); coding-DNA position 1789, A replaced by G.
Protein change: p.Lys597Glu; replaces lysine 597 with glutamic acid.
Molecular consequence: missense variant. On other transcripts: intron variant (3).
Genome position (GRCh38, 1-based): chr9:116,699,531, A>G. VCF-style: chr9-116699531-A-G. GRCh37 (hg19) VCF-style: chr9-119461810-A-G.
Other names: c.1789A>G, p.Lys597Glu (NM_001099679.2, NM_001379048.1, NM_001379049.1 and 1 more transcripts); c.2653+26240T>C (NM_014010.5); c.2794+26240T>C (NM_001365069.1); c.2806+26240T>C (NM_001365068.1); short protein forms K597E.
Identifiers: ClinVar variation 4977185 (VCV004977185.1).
Genomic context (GRCh38, chr9:116,699,531, plus strand): 5'-TGCATTGCTGGCATGTGTGTGGATGCTCGTGGTGATCTCATCGTGGCTGACAGTAGTCGC[A>G]AGGAAATTCTCCATTTTCCTAAGGGTGGGGGCTATAGTGTCCTTATTCGAGAGGGACTTA-3'
Protein context (NP_036342.2, residues 587-607): GDLIVADSSR[Lys597Glu]EILHFPKGGG

ClinVar aggregate classification (germline): Uncertain significance (1 of 4 stars; one submission).

Conditions:
TRIM32-related disorder. Also called: TRIM32-related condition.

gnomAD v4.1: 8 of 1,614,052 alleles (0.0005%); highest among the groups gnomAD compares: African/African-American, 0.0013%; no homozygotes.

Submission:

PreventionGenetics, part of Exact Sciences
Classification: Uncertain significance for TRIM32-related condition. Last evaluated: 2024-11-15. Review status: criteria provided, single submitter. Criteria: ACMG Guidelines, 2015. Collection method: clinical testing. Allele origin: germline.
Comment: The TRIM32 c.1789A>G variant is predicted to result in the amino acid substitution p.Lys597Glu. To our knowledge, this variant has not been reported in the literature or in a large population database (gnomAD), indicating this variant is rare. At this time, the clinical significance of this variant is uncertain due to the absence of conclusive functional and genetic evidence.